The following is an entry in ClinVar:

ClinVar aggregate classification (germline): Likely pathogenic (1 of 4 stars; one submission).

Conditions:
Carney complex - trismus - pseudocamptodactyly syndrome. Identifiers: Orphanet 319340, MedGen C1837245, MONDO:0012137, OMIM 608837.

gnomAD v4.1: 17 of 1,613,818 alleles (0.0011%); highest among the groups gnomAD compares: South Asian, 0.0066%; no homozygotes.

Submission:

First Genomix Gene Laboratory, Genetic Diagnostics Department
Classification: Likely pathogenic for Carney complex - trismus - pseudocamptodactyly syndrome. Last evaluated: 2025-05-23. Review status: criteria provided, single submitter. Criteria: ACMG Guidelines, 2015. Collection method: clinical testing. Allele origin: germline. Inheritance: Autosomal recessive inheritance. Affected: no. Observed: 1 variant allele.

NM_002472.3(MYH8):c.4528+1G>A

Genes: MYH8 (myosin heavy chain 8; minus strand), MYHAS (myosin heavy chain gene cluster antisense RNA; plus strand). Cytogenetic location: 17p13.1.
Variant type: single nucleotide variant.
Coding change: c.4528+1G>A on transcript NM_002472.3 (MANE Select); the canonical splice donor site of the intron after coding-DNA position 4528, G replaced by A.
Molecular consequence: splice donor variant.
Genome position (GRCh38, 1-based): chr17:10,396,552, C>T on the plus strand (G>A on the coding strand, the complement: MYH8 is on the minus strand). VCF-style: chr17-10396552-C-T. GRCh37 (hg19) VCF-style: chr17-10299869-C-T.
Identifiers: ClinVar variation 4849476 (VCV004849476.1).
Genomic context (GRCh38, chr17:10,396,552, plus strand): 5'-ATGGCAACATGGAAAGGTCCTCCCAGGGATATATGGAGTAGGGAGGACTGTGAGGACTCA[C>T]GTTGCAAGTTCTTATTTTCTCTTCTTAGCGTTTCGAGTTGATCCAGGGATTCCTCATAGA-3'